The following is an entry in ClinVar:

NM_014140.4(SMARCAL1):c.72A>G (p.Arg24=)

Gene: SMARCAL1 (SNF2 related chromatin remodeling annealing helicase 1; plus strand). Cytogenetic location: 2q35.
Variant type: single nucleotide variant.
Coding change: c.72A>G on transcript NM_014140.4 (MANE Select); coding-DNA position 72, A replaced by G.
Protein change: p.Arg24=; no amino-acid change (arginine 24 retained).
Molecular consequence: synonymous variant.
Genome position (GRCh38, 1-based): chr2:216,414,776, A>G. VCF-style: chr2-216414776-A-G. GRCh37 (hg19) VCF-style: chr2-217279499-A-G.
Other names: c.72A>G, p.Arg24= (NM_001127207.2).
Identifiers: ClinVar variation 334289 (VCV000334289.19), dbSNP rs199805770, ClinGen allele CA2097552.

ClinVar aggregate classification (germline): Benign/Likely benign. Review status: criteria provided, multiple submitters, no conflicts (2 of 4 stars). 4 submissions from 4 submitters: Benign (2); Likely benign (1). 1 of the submissions does not count toward it. Last evaluated 2026-02-04.

Conditions:
Kidney disorder. Also called: renal disorder; Nephropathy; renal disease; Kidney disease; Kidney Diseases. Identifiers: MedGen C0022658, MONDO:0005240, HP:0000112.
Schimke immuno-osseous dysplasia (SIOD). Also called: Schimke Immunoosseous Dysplasia. Identifiers: Orphanet 1830, MedGen C0877024, MONDO:0009458, OMIM 242900.

Allele frequency attached by ClinVar (database versions not stated): gnomAD 0.00001 and 0.00054; TOPMed 0.00008; 1000 Genomes Project 0.00200; gnomAD exomes 0.00225; 1000 Genomes Project 30x 0.00234; ExAC 0.00237.
gnomAD v4.1: 1,716 of 1,614,224 alleles (0.11%); highest among the groups gnomAD compares: South Asian, 1.8%; 38 homozygotes.

Submissions (4):

Labcorp Genetics (formerly Invitae), Labcorp
Classification: Benign for Schimke immuno-osseous dysplasia. Last evaluated: 2026-02-04. Review status: criteria provided, single submitter. Criteria: Invitae Variant Classification Sherloc (09022015). Collection method: clinical testing. Allele origin: germline.

Genome Diagnostics Laboratory, The Hospital for Sick Children
Classification: Likely benign for Kidney disorder. Last evaluated: 2018-07-01. Review status: criteria provided, single submitter. Criteria: ACMG Guidelines, 2015. Collection method: clinical testing. Allele origin: germline.

Illumina Laboratory Services, Illumina
Classification: Benign for Schimke immuno-osseous dysplasia. Last evaluated: 2018-01-13. Review status: criteria provided, single submitter. Criteria: ICSL Variant Classification Criteria 13 December 2019. Collection method: clinical testing. Allele origin: germline.
Comment: This variant was observed in the ICSL laboratory as part of a predisposition screen in an ostensibly healthy population. It had not been previously curated by ICSL or reported in the Human Gene Mutation Database (HGMD: prior to June 1st, 2018), and was therefore a candidate for classification through an automated scoring system. Utilizing variant allele frequency, disease prevalence and penetrance estimates, and inheritance mode, an automated score was calculated to assess if this variant is too frequent to cause the disease. Based on the score and internal cut-off values, a variant classified as benign is not then subjected to further curation. The score for this variant resulted in a classification of benign for this disease.

Natera, Inc.
Classification: Benign for Schimke immuno-osseous dysplasia. Last evaluated: 2019-12-06. Review status: no assertion criteria provided. Collection method: clinical testing. Allele origin: germline. Not counted in ClinVar's aggregate classification.